The following is an entry in ClinVar:

ClinVar aggregate classification (germline): Likely pathogenic. Review status: reviewed by expert panel (3 of 4 stars). 2 submissions from 2 submitters: Likely pathogenic (1). 1 of the submissions does not count toward it. Last evaluated 2024-06-09.

Conditions:
Monogenic diabetes. Identifiers: Orphanet 183625, MedGen C3888631, MONDO:0015967.

Submissions (2):

ClinGen Monogenic Diabetes Variant Curation Expert Panel
Classification: Likely pathogenic for Monogenic diabetes. Last evaluated: 2024-06-09. Review status: reviewed by expert panel. Criteria: ClinGen Diabetes ACMG Specifications HNF1A V2.1.0. Collection method: curation. Allele origin: germline. Inheritance: Autosomal dominant inheritance.
Comment: The c.395A>T variant in the HNF1 homeobox A gene, HNF1A, causes an amino acid change of glutamic acid to valine at codon 132 (p.(Glu132Val)) of NM_000545.8. This variant is predicted to be deleterious by computational evidence, with a REVEL score of 0.93, which is greater than the MDEP VCEP threshold of 0.70 (PP3). This variant resides in an amino acid within the HNF1α DNA binding domain that directly binds DNA, which is defined as critical for the protein’s function by the ClinGen MDEP (PM1). This variant is absent from gnomAD v2.1.1 (PM2_Supporting). This variant was identified in an individual with a clinical history highly specific for HNF1A-MODY (MODY probability calculator result nearly 50%, negative genetic testing for HNF4A, negative antibodies, and 3 generation family history of diabetes) (PP4; internal lab contributors). Another missense variant, c.394G>A p.Glu132Lys, has been classified as pathogenic by the ClinGen MDEP, and p.Glu132Asp has a greater Grantham distance. In summary, c.395A>T meets the criteria to be classified as likely pathogenic for monogenic diabetes. ACMG/AMP criteria applied, as specified by the ClinGen MDEP (specification version 2.1.0, approved 8/11/2023): PM1, PM5, PP3, PP4, PM2_Supporting.

OLLIN Analises Genomicas, OLLIN
Classification: Likely pathogenic. Last evaluated: 2026-08-06. Review status: criteria provided, single submitter. Criteria: ACMG Guidelines 2015 PMID 25741868. Collection method: clinical testing. Allele origin: germline. Not counted in ClinVar's aggregate classification.
Comment: This missense variant, located in exon 2 (of 10), is absent from gnomAD and has not been identified in the literature. However, it has been reported in ClinVar (accession VCV003238983.1). In silico analysis predicts that this variant has a deleterious effect. According to the currently available evidence, this variant has been classified as likely pathogenic (PM2_P, PM3, PP1, PP3_M).

NM_000545.8(HNF1A):c.395A>T (p.Glu132Val)

Gene: HNF1A (HNF1 homeobox A; plus strand). Cytogenetic location: 12q24.31.
Variant type: single nucleotide variant.
Coding change: c.395A>T on transcript NM_000545.8 (MANE Select); coding-DNA position 395, A replaced by T.
Protein change: p.Glu132Val; replaces glutamic acid 132 with valine.
Molecular consequence: missense variant.
Genome position (GRCh38, 1-based): chr12:120,988,901, A>T. VCF-style: chr12-120988901-A-T. GRCh37 (hg19) VCF-style: chr12-121426704-A-T.
Other names: NM_001306179.2:c.395A>T; c.395A>T, p.Glu132Val (NM_001306179.2, NM_001406915.1); short protein forms E132V.
Identifiers: ClinVar variation 3238983 (VCV003238983.2), dbSNP rs2499987570.
Genomic context (GRCh38, chr12:120,988,901, plus strand): 5'-CGTGGCGTGTGGCGAAGATGGTCAAGTCCTACCTGCAGCAGCACAACATCCCACAGCGGG[A>T]GGTGGTCGATACCACTGGCCTCAACCAGTCCCACCTGTCCCAACACCTCAACAAGGGCAC-3'
Protein context (NP_000536.6, residues 122-142): YLQQHNIPQR[Glu132Val]VVDTTGLNQS